The following is an entry in ClinVar:

ClinVar aggregate classification (germline): Likely benign (1 of 4 stars; one submission).

gnomAD v4.1: 1 of 1,613,326 alleles (0.000062%); highest among the groups gnomAD compares: Non-Finnish European, 0.000085%; no homozygotes.

Submission:

CeGaT Center for Human Genetics Tuebingen
Classification: Likely benign. Last evaluated: 2025-06-01. Review status: criteria provided, single submitter. Criteria: CeGaT Center For Human Genetics Tuebingen Variant Classification Criteria Version 2. Collection method: clinical testing. Allele origin: germline. Affected: yes. Observed: 1 variant allele.
Comment: TTN: BP4, BP7

NM_001267550.2(TTN):c.73926T>C (p.His24642=)

Genes: TTN (titin; minus strand), TTN-AS1 (TTN antisense RNA 1; plus strand). Cytogenetic location: 2q31.2.
Variant type: single nucleotide variant.
Coding change: c.73926T>C on transcript NM_001267550.2 (MANE Select); coding-DNA position 73926, T replaced by C.
Protein change: p.His24642=; no amino-acid change (histidine 24642 retained).
Molecular consequence: synonymous variant.
Genome position (GRCh38, 1-based): chr2:178,572,206, A>G on the plus strand (T>C on the coding strand, the complement: TTN is on the minus strand). VCF-style: chr2-178572206-A-G. GRCh37 (hg19) VCF-style: chr2-179436933-A-G.
Other names: c.69003T>C, p.His23001= (NM_001256850.1); c.46731T>C, p.His15577= (NM_003319.4); c.66222T>C, p.His22074= (NM_133378.4); c.47106T>C, p.His15702= (NM_133432.3); c.47307T>C, p.His15769= (NM_133437.4).
Identifiers: ClinVar variation 4085266 (VCV004085266.8).